The following is an entry in ClinVar:

NM_007294.4(BRCA1):c.5553C>G (p.Asp1851Glu)

Gene: BRCA1 (BRCA1 DNA repair associated; minus strand). Cytogenetic location: 17q21.31.
Variant type: single nucleotide variant.
Coding change: c.5553C>G on transcript NM_007294.4 (MANE Select); coding-DNA position 5553, C replaced by G.
Protein change: p.Asp1851Glu; replaces aspartic acid 1851 with glutamic acid.
Molecular consequence: missense variant. On other transcripts: 3 prime UTR variant (1), non-coding transcript variant (1).
Genome position (GRCh38, 1-based): chr17:43,045,717, G>C on the plus strand (C>G on the coding strand, the complement: BRCA1 is on the minus strand). VCF-style: chr17-43045717-G-C. GRCh37 (hg19) VCF-style: chr17-41197734-G-C.
Other names: c.5340C>G, p.Asp1780Glu (NM_001407897.1, NM_001407898.1, NM_001407899.1 and 12 more transcripts); c.5289C>G, p.Asp1763Glu (NM_001407923.1, NM_001407924.1, NM_001407925.1 and 4 more transcripts); c.5286C>G, p.Asp1762Glu (NM_001407927.1, NM_001407928.1, NM_001407929.1 and 4 more transcripts); c.5091C>G, p.Asp1697Glu (NM_001407964.1); c.5046C>G, p.Asp1682Glu (NM_001407965.1); c.4665C>G, p.Asp1555Glu (NM_001407966.1); c.4662C>G, p.Asp1554Glu (NM_001407967.1); c.2949C>G, p.Asp983Glu (NM_001407968.1); and 74 more; short protein forms D1851E, D1872E, D747E, D1804E, D1555E, D1739E, D1761E, D1762E.
Identifiers: ClinVar variation 868661 (VCV000868661.4), dbSNP rs80357326, ClinGen allele CA10590214.

Conditions:
Breast-ovarian cancer, familial, susceptibility to, 1 (BROVCA1). Also called: BRCA1 Hereditary Breast and Ovarian Cancer; OVARIAN CANCER, SUSCEPTIBILITY TO. Identifiers: Orphanet 145, MedGen C2676676, MONDO:0011450, OMIM 604370. Disease mechanism: loss of function.

Submission:

Brotman Baty Institute, University of Washington
No classification provided (evidence only). Condition: Breast-ovarian cancer, familial 1. Review status: no classification provided. Collection method: in vitro. Allele origin: not applicable. Functional consequence: functionally_normal.
ClinVar note: "not provided" was previously submitted as the classification for the variant. However, the classification appeared to be based only on an observation of functional data so it was converted to no classification on 2025-07-30.